The following is an entry in ClinVar:

NM_000059.4(BRCA2):c.8332-3384A>T

Gene: BRCA2 (BRCA2 DNA repair associated; plus strand). Cytogenetic location: 13q13.1.
Variant type: single nucleotide variant.
Coding change: c.8332-3384A>T on transcript NM_000059.4 (MANE Select); 3384 bases into the intron before coding-DNA position 8332, A replaced by T.
Molecular consequence: intron variant.
Genome position (GRCh38, 1-based): chr13:32,367,018, A>T. VCF-style: chr13-32367018-A-T. GRCh37 (hg19) VCF-style: chr13-32941155-A-T.
Identifiers: ClinVar variation 1762967 (VCV001762967.6), dbSNP rs2072787542, ClinGen allele CA2580087515.
Genomic context (GRCh38, chr13:32,367,018, plus strand): 5'-GCAAGGTGTCTTGAAGAAATGGCTGATTCCAGATTCAGAGGAGGAAATATATGAATCTGG[A>T]AAGTCTTGACATACCAGAAAAAAACTAAGCATCAAACACTACTAGTGTCATGTCAAAAGG-3'

ClinVar aggregate classification (germline): Pathogenic/Likely pathogenic. Review status: criteria provided, multiple submitters, no conflicts (2 of 4 stars). 2 submissions from 2 submitters: Pathogenic (1); Likely pathogenic (1). Last evaluated 2025-10-01.

Conditions:
Hereditary cancer-predisposing syndrome. Also called: Neoplastic Syndromes, Hereditary; Tumor predisposition; Hereditary Cancer Syndrome; Hereditary neoplastic syndrome. Identifiers: Orphanet 140162, MedGen C0027672, MeSH D009386, MONDO:0015356.
Hereditary breast ovarian cancer syndrome. Also called: Hereditary breast and ovarian cancer; Hereditary breast and ovarian cancer syndrome (HBOC); BRCA1- and BRCA2-Associated Hereditary Breast and Ovarian Cancer; Breast and ovarian cancer; Hereditary breast and/or ovarian cancer syndrome; Hereditary breast and ovarian cancer syndrome. Identifiers: Orphanet 145, MedGen C0677776, MeSH D061325, MONDO:0003582. Disease mechanism: loss of function.

Submissions (2):

Labcorp Genetics (formerly Invitae), Labcorp
Classification: Pathogenic for Hereditary breast ovarian cancer syndrome. Last evaluated: 2025-10-01. Review status: criteria provided, single submitter. Criteria: Invitae Variant Classification Sherloc (09022015). Collection method: clinical testing. Allele origin: germline.
Comment: This sequence change falls in intron 18 of the BRCA2 gene. It does not directly change the encoded amino acid sequence of the BRCA2 protein. RNA analysis indicates that this variant induces altered splicing and may result in an absent or altered protein product. This variant is not present in population databases (gnomAD no frequency). This variant has been observed in individual(s) with breast cancer (PMID: 36008414). ClinVar contains an entry for this variant (Variation ID: 1762967). Studies have shown that this variant results in activation of a cryptic splice site, and produces a non-functional protein and/or introduces a premature termination codon (PMID: 36008414; internal data). For these reasons, this variant has been classified as Pathogenic.

Ambry Genetics
Classification: Likely pathogenic for Hereditary cancer-predisposing syndrome. Last evaluated: 2024-05-13. Review status: criteria provided, single submitter. Criteria: Ambry Variant Classification Scheme 2023. Collection method: clinical testing. Allele origin: germline.
Comment: The c.8332-3384A>T intronic variant results from an A to T substitution 3384 nucleotides upstream from coding exon 18 in the BRCA2 gene. This nucleotide position is conserved on limited sequence alignment. In silico splice site analysis predicts that this alteration will result in the creation or strengthening of a novel splice donor site. RNA studies have demonstrated that this alteration results in abnormal splicing in the set of samples tested (Ambry internal data). This variant is considered to be rare based on population cohorts in the Genome Aggregation Database (gnomAD). Based on the majority of available evidence to date, this variant is likely to be pathogenic.

Literature cited by the submitters: PubMed 36008414 (cited by Labcorp Genetics (formerly Invitae), Labcorp).